The following is an entry in ClinVar:

NM_002907.4(RECQL):c.918G>T (p.Lys306Asn)

Gene: RECQL (RecQ like helicase; minus strand). Cytogenetic location: 12p12.1.
Variant type: single nucleotide variant.
Coding change: c.918G>T on transcript NM_002907.4 (MANE Select); coding-DNA position 918, G replaced by T.
Protein change: p.Lys306Asn; replaces lysine 306 with asparagine.
Molecular consequence: missense variant.
Genome position (GRCh38, 1-based): chr12:21,476,942, C>A on the plus strand (G>T on the coding strand, the complement: RECQL is on the minus strand). VCF-style: chr12-21476942-C-A. GRCh37 (hg19) VCF-style: chr12-21629876-C-A.
Other names: c.918G>T, p.Lys306Asn (NM_032941.3); short protein forms K306N.
Identifiers: ClinVar variation 1766114 (VCV001766114.3), dbSNP rs2540351943, ClinGen allele CA384122953.

ClinVar aggregate classification (germline): Uncertain significance (1 of 4 stars; one submission).

Submission:

Ambry Genetics
Classification: Uncertain significance. Last evaluated: 2024-09-20. Review status: criteria provided, single submitter. Criteria: Ambry Variant Classification Scheme 2023. Collection method: clinical testing. Allele origin: germline.
Comment: The p.K306N variant (also known as c.918G>T), located in coding exon 7 of the RECQL gene, results from a G to T substitution at nucleotide position 918. The lysine at codon 306 is replaced by asparagine, an amino acid with similar properties. This amino acid position is not well conserved in available vertebrate species. In addition, this alteration is predicted to be tolerated by in silico analysis. Since supporting evidence is limited at this time, the clinical significance of this alteration remains unclear.